The following is an entry in ClinVar:

ClinVar aggregate classification (germline): Uncertain significance (0 of 4 stars; one submission).

Conditions:
DIP2B-related disorder. Also called: DIP2B-related condition.

Submission:

PreventionGenetics, part of Exact Sciences
Classification: Uncertain significance for DIP2B-related condition. Last evaluated: 2024-08-17. Review status: no assertion criteria provided. Collection method: clinical testing. Allele origin: germline.
Comment: The DIP2B c.4694A>G variant is predicted to result in the amino acid substitution p.Asp1565Gly. To our knowledge, this variant has not been reported in the literature or in gnomAD, indicating that this variant is rare. At this time, the clinical significance of this variant is uncertain due to the absence of conclusive functional and genetic evidence.

NM_173602.3(DIP2B):c.4694A>G (p.Asp1565Gly)

Gene: DIP2B (disco interacting protein 2 homolog B; plus strand). Cytogenetic location: 12q13.12.
Variant type: single nucleotide variant.
Coding change: c.4694A>G on transcript NM_173602.3 (MANE Select); coding-DNA position 4694, A replaced by G.
Protein change: p.Asp1565Gly; replaces aspartic acid 1565 with glycine.
Molecular consequence: missense variant.
Genome position (GRCh38, 1-based): chr12:50,744,802, A>G. VCF-style: chr12-50744802-A-G. GRCh37 (hg19) VCF-style: chr12-51138585-A-G.
Other names: short protein forms D1565G.
Identifiers: ClinVar variation 3347027 (VCV003347027.1).
Genomic context (GRCh38, chr12:50,744,802, plus strand): 5'-TCCCGATCAACTCCAGAGGAGAGAAGCAGAGGATGCACCTCCGTGATAGCTTCCTAGCTG[A>G]CCAGTTAGACCCCATCTACGTGGCTTATAACATGTAACCAGCCTTGTGGGGACTGCAGTG-3'
Protein context (NP_775873.2, residues 1555-1575): RMHLRDSFLA[Asp1565Gly]QLDPIYVAYN